The following is an entry in ClinVar:

NM_016335.6(PRODH):c.1238A>C (p.Gln413Pro)

Gene: PRODH (proline dehydrogenase 1; minus strand). Cytogenetic location: 22q11.21.
Variant type: single nucleotide variant.
Coding change: c.1238A>C on transcript NM_016335.6 (MANE Select); coding-DNA position 1238, A replaced by C.
Protein change: p.Gln413Pro; replaces glutamine 413 with proline.
Molecular consequence: missense variant.
Genome position (GRCh38, 1-based): chr22:18,919,464, T>G on the plus strand (A>C on the coding strand, the complement: PRODH is on the minus strand). VCF-style: chr22-18919464-T-G. GRCh37 (hg19) VCF-style: chr22-18906977-T-G.
Other names: c.914A>C, p.Gln305Pro (NM_001195226.2, NM_001368250.2); short protein forms Q305P, Q413P.
Identifiers: ClinVar variation 1715049 (VCV001715049.6), dbSNP rs2517451690, ClinGen allele CA410643329.
Genomic context (GRCh38, chr22:18,919,464, plus strand): 5'-GTCTCCAAGCCCCAGGGCAGGCAGGGAGGGGCTGAGCGGGGGCTTGCCTTGAGGTAGCAC[T>G]GGTATGTGTTGAAGATGAGCGGCTTCTCCACATTGAACTTCCGCTGCATCTCCAGCGTCA-3'
Protein context (NP_057419.5, residues 403-423): VEKPLIFNTY[Gln413Pro]CYLKDAYDNV

ClinVar aggregate classification (germline): Uncertain significance. Review status: criteria provided, multiple submitters, no conflicts (2 of 4 stars). 2 submissions from 2 submitters: Uncertain significance (2). Last evaluated 2024-04-25.

Conditions:
Schizophrenia 4 (SCZD4). Also called: SCHIZOPHRENIA SUSCEPTIBILITY LOCUS, CHROMOSOME 22q11-RELATED; SCHIZOPHRENIA, SUSCEPTIBILITY TO, 4. Identifiers: MedGen C1833247, MONDO:0010943, OMIM 600850.
Proline dehydrogenase deficiency (HYRPRO1). Also called: Hyperprolinemia type 1; PROLINE OXIDASE DEFICIENCY. Identifiers: Orphanet 419, MedGen C0268529, MONDO:0009400, OMIM 239500.

Submissions (2):

Labcorp Genetics (formerly Invitae), Labcorp
Classification: Uncertain significance for Proline dehydrogenase deficiency. Last evaluated: 2024-04-25. Review status: criteria provided, single submitter. Criteria: Invitae Variant Classification Sherloc (09022015). Collection method: clinical testing. Allele origin: germline.
Comment: This sequence change replaces glutamine, which is neutral and polar, with proline, which is neutral and non-polar, at codon 413 of the PRODH protein (p.Gln413Pro). This variant is not present in population databases (gnomAD no frequency). This variant has not been reported in the literature in individuals affected with PRODH-related conditions. ClinVar contains an entry for this variant (Variation ID: 1715049). Advanced modeling of protein sequence and biophysical properties (such as structural, functional, and spatial information, amino acid conservation, physicochemical variation, residue mobility, and thermodynamic stability) performed at Invitae indicates that this missense variant is expected to disrupt PRODH protein function with a positive predictive value of 80%. In summary, the available evidence is currently insufficient to determine the role of this variant in disease. Therefore, it has been classified as a Variant of Uncertain Significance.

Fulgent Genetics
Classification: Uncertain significance for Proline dehydrogenase deficiency; Schizophrenia 4. Last evaluated: 2024-02-28. Review status: criteria provided, single submitter. Criteria: ACMG Guidelines, 2015. Collection method: clinical testing. Allele origin: germline.